The following is an entry in ClinVar:

NM_014946.4(SPAST):c.198G>C (p.Leu66Phe)

Gene: SPAST (spastin; plus strand). Cytogenetic location: 2p22.3.
Variant type: single nucleotide variant.
Coding change: c.198G>C on transcript NM_014946.4 (MANE Select); coding-DNA position 198, G replaced by C.
Protein change: p.Leu66Phe; replaces leucine 66 with phenylalanine.
Molecular consequence: missense variant.
Genome position (GRCh38, 1-based): chr2:32,064,029, G>C. VCF-style: chr2-32064029-G-C. GRCh37 (hg19) VCF-style: chr2-32289098-G-C.
Other names: c.198G>C, p.Leu66Phe (NM_001363823.2, NM_001363875.2, NM_001377959.1 and 1 more transcripts); short protein forms L66F.
Identifiers: ClinVar variation 1061785 (VCV001061785.9), dbSNP rs2148685510, ClinGen allele CA346601656.

ClinVar aggregate classification (germline): Uncertain significance (1 of 4 stars; one submission).

Conditions:
Hereditary spastic paraplegia 4. Also called: Spastic paraplegia 4, autosomal dominant; Spastic Paraplegia 4; Familial spastic paraplegia autosomal dominant 2. Identifiers: Orphanet 100985, MedGen C1866855, MONDO:0008438, OMIM 182601.

gnomAD v4.1: 2 of 1,613,406 alleles (0.00012%); highest among the groups gnomAD compares: Non-Finnish European, 0.00017%; no homozygotes.

Submission:

Labcorp Genetics (formerly Invitae), Labcorp
Classification: Uncertain significance for Hereditary spastic paraplegia 4. Last evaluated: 2020-03-11. Review status: criteria provided, single submitter. Criteria: Invitae Variant Classification Sherloc (09022015). Collection method: clinical testing. Allele origin: germline.
Comment: This sequence change replaces leucine with phenylalanine at codon 66 of the SPAST protein (p.Leu66Phe). The leucine residue is weakly conserved and there is a small physicochemical difference between leucine and phenylalanine. In summary, the available evidence is currently insufficient to determine the role of this variant in disease. Therefore, it has been classified as a Variant of Uncertain Significance. Algorithms developed to predict the effect of missense changes on protein structure and function output the following: SIFT: "Tolerated"; PolyPhen-2: "Benign"; Align-GVGD: "Class C0". The phenylalanine amino acid residue is found in multiple mammalian species, suggesting that this missense change does not adversely affect protein function. These predictions have not been confirmed by published functional studies and their clinical significance is uncertain. This variant has been observed in individual(s) with clinical features of hereditary spastic paraplegia (Invitae). This variant is not present in population databases (ExAC no frequency).